The following is an entry in ClinVar:

ClinVar aggregate classification (germline): Likely benign (1 of 4 stars; one submission).

Conditions:
MC4R-related disorder. Also called: MC4R-related condition.

gnomAD v4.1: 3 of 1,614,116 alleles (0.00019%); highest among the groups gnomAD compares: Non-Finnish European, 0.00025%; no homozygotes.

Submission:

PreventionGenetics, part of Exact Sciences
Classification: Likely benign for MC4R-related condition. Last evaluated: 2025-11-25. Review status: criteria provided, single submitter. Criteria: ACMG Guidelines, 2015. Collection method: clinical testing. Allele origin: germline.
Comment: This variant is classified as likely benign based on ACMG/AMP sequence variant interpretation guidelines (Richards et al. 2015 PMID: 25741868, with internal and published modifications).

NM_005912.3(MC4R):c.789C>G (p.Leu263=)

Gene: MC4R (melanocortin 4 receptor; minus strand). Cytogenetic location: 18q21.32.
Variant type: single nucleotide variant.
Coding change: c.789C>G on transcript NM_005912.3 (MANE Select); coding-DNA position 789, C replaced by G.
Protein change: p.Leu263=; no amino-acid change (leucine 263 retained).
Molecular consequence: synonymous variant.
Genome position (GRCh38, 1-based): chr18:60,371,561, G>C on the plus strand (C>G on the coding strand, the complement: MC4R is on the minus strand). VCF-style: chr18-60371561-G-C. GRCh37 (hg19) VCF-style: chr18-58038794-G-C.
Identifiers: ClinVar variation 4996696 (VCV004996696.1).
Genomic context (GRCh38, chr18:60,371,561, plus strand): 5'-GTGAGACATGAAGCACACACAATATGGATTCTGAGGACAAGAGATGTAGAATATTAAGTG[G>C]AGGAAGAATGGGGCCCAGCAGACAACAAAGACGCCAATCAGGATGGTCAAGGTAATCGCT-3'
Protein context (NP_005903.2, residues 253-273): VFVVCWAPFF[Leu263=]HLIFYISCPQ